The following is an entry in ClinVar:

ClinVar aggregate classification (germline): Pathogenic (1 of 4 stars; one submission).

gnomAD v4.1: 2 of 1,612,896 alleles (0.00012%); highest among the groups gnomAD compares: Non-Finnish European, 0.00017%; no homozygotes.

Submission:

Labcorp Genetics (formerly Invitae), Labcorp
Classification: Pathogenic. Last evaluated: 2022-05-28. Review status: criteria provided, single submitter. Criteria: Invitae Variant Classification Sherloc (09022015). Collection method: clinical testing. Allele origin: germline.
Comment: For these reasons, this variant has been classified as Pathogenic. Variants that disrupt the consensus splice site are a relatively common cause of aberrant splicing (PMID: 17576681, 9536098). Studies have shown that disruption of this splice site results in skipping of exon 5 and introduces a new termination codon (PMID: 11470272). However the mRNA is not expected to undergo nonsense-mediated decay. Disruption of this splice site has been observed in individual(s) with sialidosis (PMID: 11470272). This variant is not present in population databases (gnomAD no frequency). This sequence change affects a donor splice site in intron 5 of the NEU1 gene. RNA analysis indicates that disruption of this splice site induces altered splicing and likely disrupts the C-terminus of the protein.

Literature cited by the submitters: PubMed 17576681; PubMed 9536098; PubMed 11470272.

NM_000434.4(NEU1):c.1021+1G>T

Gene: NEU1 (neuraminidase 1; minus strand). Cytogenetic location: 6p21.33.
Variant type: single nucleotide variant.
Coding change: c.1021+1G>T on transcript NM_000434.4 (MANE Select); the canonical splice donor site of the intron after coding-DNA position 1021, G replaced by T.
Molecular consequence: splice donor variant.
Genome position (GRCh38, 1-based): chr6:31,860,041, C>A on the plus strand (G>T on the coding strand, the complement: NEU1 is on the minus strand). VCF-style: chr6-31860041-C-A. GRCh37 (hg19) VCF-style: chr6-31827818-C-A.
Identifiers: ClinVar variation 2000058 (VCV002000058.4), dbSNP rs1486980139, ClinGen allele CA363486550.